The following is an entry in ClinVar:

ClinVar aggregate classification (germline): Pathogenic (1 of 4 stars; one submission).

Conditions:
Kleefstra syndrome 1 (KLEFS1). Identifiers: Orphanet 261494, MedGen C0795833, MONDO:0027407, OMIM 610253.

Submission:

Laboratory of Genetics, Children's Clinical University Hospital Latvia
Classification: Pathogenic for Kleefstra syndrome 1. Review status: criteria provided, single submitter. Criteria: ACMG Guidelines, 2015. Collection method: curation. Allele origin: de novo. Affected: yes.
Comment: de novo

Literature cited by the submitters: PubMed 39013458.

NM_024757.5(EHMT1):c.2264T>G (p.Leu755Arg)

Gene: EHMT1 (euchromatic histone lysine methyltransferase 1; plus strand). Cytogenetic location: 9q34.3.
Variant type: single nucleotide variant.
Coding change: c.2264T>G on transcript NM_024757.5 (MANE Select); coding-DNA position 2264, T replaced by G.
Protein change: p.Leu755Arg; replaces leucine 755 with arginine.
Molecular consequence: missense variant.
Genome position (GRCh38, 1-based): chr9:137,779,706, T>G. VCF-style: chr9-137779706-T-G. GRCh37 (hg19) VCF-style: chr9-140674158-T-G.
Other names: c.2264T>G, p.Leu755Arg (NM_001145527.2); c.2171T>G, p.Leu724Arg (NM_001354259.2); c.2243T>G, p.Leu748Arg (NM_001354263.2); short protein forms L724R, L748R, L755R.
Identifiers: ClinVar variation 3236898 (VCV003236898.1).